The following is an entry in ClinVar:

ClinVar aggregate classification (germline): Likely benign (1 of 4 stars; one submission).

Allele frequency attached by ClinVar (database versions not stated): TOPMed 0.00012; gnomAD exomes 0.00013; 1000 Genomes Project 30x 0.00016; 1000 Genomes Project 0.00020; gnomAD 0.00023; ExAC 0.00073.
gnomAD v4.1: 219 of 1,604,936 alleles (0.014%); highest among the groups gnomAD compares: African/African-American, 0.027%; 2 homozygotes.

Submission:

CeGaT Center for Human Genetics Tuebingen
Classification: Likely benign. Last evaluated: 2023-08-01. Review status: criteria provided, single submitter. Criteria: CeGaT Center For Human Genetics Tuebingen Variant Classification Criteria Version 2. Collection method: clinical testing. Allele origin: germline. Affected: yes. Observed: 2 variant alleles.
Comment: ANKRD36: BP4, BP7

NM_001354587.1(ANKRD36):c.1674C>T (p.Asp558=)

Gene: ANKRD36 (ankyrin repeat domain 36; plus strand). Cytogenetic location: 2q11.2.
Variant type: single nucleotide variant.
Coding change: c.1674C>T on transcript NM_001354587.1 (MANE Select); coding-DNA position 1674, C replaced by T.
Protein change: p.Asp558=; no amino-acid change (aspartic acid 558 retained).
Molecular consequence: synonymous variant.
Genome position (GRCh38, 1-based): chr2:97,179,872, C>T. VCF-style: chr2-97179872-C-T. GRCh37 (hg19) VCF-style: chr2-97845609-C-T.
Identifiers: ClinVar variation 2651162 (VCV002651162.22), dbSNP rs535188727, ClinGen allele CA1787044.